The following is an entry in ClinVar:

ClinVar aggregate classification (germline): Likely benign. Review status: criteria provided, multiple submitters, no conflicts (2 of 4 stars). 4 submissions from 4 submitters: Likely benign (3). 1 of the submissions does not count toward it. Last evaluated 2024-11-13.

Conditions:
TRIO-related disorder. Also called: TRIO-related condition; TRIO-related disorders.

Allele frequency attached by ClinVar (database versions not stated): gnomAD 0.00004; TOPMed 0.00012; gnomAD exomes 0.00017; ExAC 0.00029.
gnomAD v4.1: 236 of 1,370,448 alleles (0.017%); highest among the groups gnomAD compares: Admixed American, 0.043%; 1 homozygote.

Submissions (4):

Blueprint Genetics
Classification: Likely benign. Last evaluated: 2024-11-13. Review status: criteria provided, single submitter. Criteria: ACMG Guidelines, 2015. Collection method: clinical testing. Allele origin: germline.

CeGaT Center for Human Genetics Tuebingen
Classification: Likely benign. Last evaluated: 2022-12-01. Review status: criteria provided, single submitter. Criteria: CeGaT Center For Human Genetics Tuebingen Variant Classification Criteria Version 2. Collection method: clinical testing. Allele origin: germline. Affected: yes. Observed: 2 variant alleles.
Comment: TRIO: BP4, BP7

GeneDx
Classification: Likely benign. Last evaluated: 2021-07-27. Review status: criteria provided, single submitter. Criteria: GeneDx Variant Classification Process June 2021. Collection method: clinical testing. Allele origin: germline. Affected: yes.

PreventionGenetics, part of Exact Sciences
Classification: Likely benign for TRIO-related condition. Last evaluated: 2020-01-08. Review status: no assertion criteria provided. Collection method: clinical testing. Allele origin: germline. Not counted in ClinVar's aggregate classification.
Comment: This variant is classified as likely benign based on ACMG/AMP sequence variant interpretation guidelines (Richards et al. 2015 PMID: 25741868, with internal and published modifications).

NM_007118.4(TRIO):c.7149C>T (p.Pro2383=)

Gene: TRIO (trio Rho guanine nucleotide exchange factor; plus strand). Cytogenetic location: 5p15.2.
Variant type: single nucleotide variant.
Coding change: c.7149C>T on transcript NM_007118.4 (MANE Select); coding-DNA position 7149, C replaced by T.
Protein change: p.Pro2383=; no amino-acid change (proline 2383 retained).
Molecular consequence: synonymous variant.
Genome position (GRCh38, 1-based): chr5:14,487,777, C>T. VCF-style: chr5-14487777-C-T. GRCh37 (hg19) VCF-style: chr5-14487886-C-T.
Other names: c.7149C>T (NM_007118.3).
Identifiers: ClinVar variation 1217879 (VCV001217879.29), dbSNP rs770530442, ClinGen allele CA3207345.